The following is an entry in ClinVar:

ClinVar aggregate classification (germline): Uncertain significance. Review status: criteria provided, multiple submitters, no conflicts (2 of 4 stars). 2 submissions from 2 submitters: Uncertain significance (2). Last evaluated 2025-12-06.

Conditions:
PHF8-related disorder. Also called: PHF8-related condition.
Inborn genetic diseases. Identifiers: MedGen C0950123, MeSH D030342.

gnomAD v4.1: 6 of 1,205,510 alleles (0.0005%); highest among the groups gnomAD compares: Non-Finnish European, 0.00067%; no homozygotes.

Submissions (2):

PreventionGenetics, part of Exact Sciences
Classification: Uncertain significance for PHF8-related condition. Last evaluated: 2025-12-06. Review status: criteria provided, single submitter. Criteria: ACMG Guidelines, 2015. Collection method: clinical testing. Allele origin: germline.
Comment: The PHF8 c.1411C>A variant is predicted to result in the amino acid substitution p.Pro471Thr. To our knowledge, this variant has not been reported in the literature. This variant is reported in 0.0022% of alleles in individuals of European (Non-Finnish) descent in gnomAD. At this time, the clinical significance of this variant is uncertain due to the absence of conclusive functional and genetic evidence.

Ambry Genetics
Classification: Uncertain significance for Inborn genetic diseases. Last evaluated: 2024-07-10. Review status: criteria provided, single submitter. Criteria: Ambry Variant Classification Scheme 2023. Collection method: clinical testing. Allele origin: germline.

NM_015107.3(PHF8):c.1411C>A (p.Pro471Thr)

Gene: PHF8 (PHD finger protein 8; minus strand). Cytogenetic location: Xp11.22.
Variant type: single nucleotide variant.
Coding change: c.1411C>A on transcript NM_015107.3 (MANE Select); coding-DNA position 1411, C replaced by A.
Protein change: p.Pro471Thr; replaces proline 471 with threonine.
Molecular consequence: missense variant. On other transcripts: intron variant (1).
Genome position (GRCh38, 1-based): chrX:53,993,816, G>T on the plus strand (C>A on the coding strand, the complement: PHF8 is on the minus strand). VCF-style: chrX-53993816-G-T. GRCh37 (hg19) VCF-style: chrX-54020249-G-T.
Other names: c.1519C>A, p.Pro507Thr (NM_001184896.1); c.1411C>A, p.Pro471Thr (NM_001184898.2); c.1324-977C>A (NM_001184897.2); short protein forms P507T, P471T.
Identifiers: ClinVar variation 3417721 (VCV003417721.2).